The following is an entry in ClinVar:

NM_002609.4(PDGFRB):c.2384C>T (p.Ser795Phe)

Gene: PDGFRB (platelet derived growth factor receptor beta; minus strand). Cytogenetic location: 5q32.
Variant type: single nucleotide variant.
Coding change: c.2384C>T on transcript NM_002609.4 (MANE Select); coding-DNA position 2384, C replaced by T.
Protein change: p.Ser795Phe; replaces serine 795 with phenylalanine.
Molecular consequence: missense variant.
Genome position (GRCh38, 1-based): chr5:150,121,283, G>A on the plus strand (C>T on the coding strand, the complement: PDGFRB is on the minus strand). VCF-style: chr5-150121283-G-A. GRCh37 (hg19) VCF-style: chr5-149500846-G-A.
Other names: c.2192C>T, p.Ser731Phe (NM_001355016.2); c.1901C>T, p.Ser634Phe (NM_001355017.2); short protein forms S634F, S731F, S795F.
Identifiers: ClinVar variation 1704875 (VCV001704875.2), dbSNP rs1285503815, ClinGen allele CA361761255.

ClinVar aggregate classification (germline): Uncertain significance (1 of 4 stars; one submission).

Submission:

GeneDx
Classification: Uncertain significance. Last evaluated: 2022-03-07. Review status: criteria provided, single submitter. Criteria: GeneDx Variant Classification Process June 2021. Collection method: clinical testing. Allele origin: germline. Affected: yes.
Comment: Not observed at significant frequency in large population cohorts (gnomAD); In silico analysis supports that this missense variant has a deleterious effect on protein structure/function; Has not been previously published as pathogenic or benign to our knowledge